The following is an entry in ClinVar:

NM_022095.4(ZNF335):c.745A>T (p.Met249Leu)

Gene: ZNF335 (zinc finger protein 335; minus strand). Cytogenetic location: 20q13.12.
Variant type: single nucleotide variant.
Coding change: c.745A>T on transcript NM_022095.4 (MANE Select); coding-DNA position 745, A replaced by T.
Protein change: p.Met249Leu; replaces methionine 249 with leucine.
Molecular consequence: missense variant.
Genome position (GRCh38, 1-based): chr20:45,967,803, T>A on the plus strand (A>T on the coding strand, the complement: ZNF335 is on the minus strand). VCF-style: chr20-45967803-T-A. GRCh37 (hg19) VCF-style: chr20-44596442-T-A.
Other names: c.745A>T (NM_022095.3); short protein forms M249L.
Identifiers: ClinVar variation 2149780 (VCV002149780.5), dbSNP rs149075279, ClinGen allele CA9885993.

ClinVar aggregate classification (germline): Uncertain significance. Review status: criteria provided, multiple submitters, no conflicts (2 of 4 stars). 2 submissions from 2 submitters: Uncertain significance (2). Last evaluated 2025-06-03.

Conditions:
Inborn genetic diseases. Identifiers: MedGen C0950123, MeSH D030342.

Allele frequency attached by ClinVar (database versions not stated): TOPMed 0.00003; gnomAD 0.00009; ESP Exome Variant Server 0.00015.
gnomAD v4.1: 70 of 1,613,446 alleles (0.0043%); highest among the groups gnomAD compares: Non-Finnish European, 0.0047%; no homozygotes.

Submissions (2):

Ambry Genetics
Classification: Uncertain significance for Inborn genetic diseases. Last evaluated: 2025-06-03. Review status: criteria provided, single submitter. Criteria: Ambry Variant Classification Scheme 2023. Collection method: clinical testing. Allele origin: germline.

Labcorp Genetics (formerly Invitae), Labcorp
Classification: Uncertain significance. Last evaluated: 2021-09-26. Review status: criteria provided, single submitter. Criteria: Invitae Variant Classification Sherloc (09022015). Collection method: clinical testing. Allele origin: germline.
Comment: This sequence change replaces methionine with leucine at codon 249 of the ZNF335 protein (p.Met249Leu). The methionine residue is highly conserved and there is a small physicochemical difference between methionine and leucine. This variant is present in population databases (rs149075279, ExAC 0.008%). This variant has not been reported in the literature in individuals affected with ZNF335-related conditions. Algorithms developed to predict the effect of missense changes on protein structure and function are either unavailable or do not agree on the potential impact of this missense change (SIFT: "Deleterious"; PolyPhen-2: "Benign"; Align-GVGD: "Class C0"). In summary, the available evidence is currently insufficient to determine the role of this variant in disease. Therefore, it has been classified as a Variant of Uncertain Significance.